The following is an entry in ClinVar:

ClinVar aggregate classification (germline): Likely benign. Review status: criteria provided, single submitter (1 of 4 stars). 2 submissions from 2 submitters: Likely benign (1). 1 of the submissions does not count toward it. Last evaluated 2025-11-17.

Conditions:
MPDZ-related disorder. Also called: MPDZ-related condition.

Allele frequency attached by ClinVar (database versions not stated): gnomAD 0.00005 and 0.00004; 1000 Genomes Project 0.00040; 1000 Genomes Project 30x 0.00047; ExAC 0.00003; gnomAD exomes 0.00004.
gnomAD v4.1: 52 of 1,610,004 alleles (0.0032%); highest among the groups gnomAD compares: Middle Eastern, 0.017%; no homozygotes.

Submissions (2):

Labcorp Genetics (formerly Invitae), Labcorp
Classification: Likely benign. Last evaluated: 2025-11-17. Review status: criteria provided, single submitter. Criteria: Invitae Variant Classification Sherloc (09022015). Collection method: clinical testing. Allele origin: germline.

PreventionGenetics, part of Exact Sciences
Classification: Likely benign for MPDZ-related condition. Last evaluated: 2019-08-09. Review status: no assertion criteria provided. Collection method: clinical testing. Allele origin: germline. Not counted in ClinVar's aggregate classification.
Comment: This variant is classified as likely benign based on ACMG/AMP sequence variant interpretation guidelines (Richards et al. 2015 PMID: 25741868, with internal and published modifications).

NM_001378778.1(MPDZ):c.3264T>C (p.Tyr1088=)

Gene: MPDZ (multiple PDZ domain crumbs cell polarity complex component; minus strand). Cytogenetic location: 9p23.
Variant type: single nucleotide variant.
Coding change: c.3264T>C on transcript NM_001378778.1 (MANE Select); coding-DNA position 3264, T replaced by C.
Protein change: p.Tyr1088=; no amino-acid change (tyrosine 1088 retained).
Molecular consequence: synonymous variant. On other transcripts: intron variant (1).
Genome position (GRCh38, 1-based): chr9:13,162,786, A>G on the plus strand (T>C on the coding strand, the complement: MPDZ is on the minus strand). VCF-style: chr9-13162786-A-G. GRCh37 (hg19) VCF-style: chr9-13162785-A-G.
Other names: c.3264T>C (NM_003829.4); c.3264T>C, p.Tyr1088= (NM_001261406.2, NM_001261407.2, NM_001330637.2 and 13 more transcripts); c.3254+5580T>C (NM_001375427.1).
Identifiers: ClinVar variation 1566249 (VCV001566249.10), dbSNP rs202174511, ClinGen allele CA4987182.
Genomic context (GRCh38, chr9:13,162,786, plus strand): 5'-TACTCTTCCAGATTGTTGTCCCAAGCTTATTTTGAACTCTTCCAAATGTTCTGCAGGCAC[A>G]TAAGTAATTCTGGAACAAACCAGAATCCATGGAAGTGAAGGGAAATAATATTTTGCCTAA-3'
Protein context (NP_001365707.1, residues 1078-1098): SLIGPDIKIT[Tyr1088=]VPAEHLEEFK